The following is an entry in ClinVar:

NM_004517.4(ILK):c.1100A>G (p.Asp367Gly)

Genes: ILK (integrin linked kinase; plus strand), TAF10 (TATA-box binding protein associated factor 10; minus strand). Cytogenetic location: 11p15.4.
Variant type: single nucleotide variant.
Coding change: c.1100A>G on transcript NM_004517.4 (MANE Select); coding-DNA position 1100, A replaced by G.
Protein change: p.Asp367Gly; replaces aspartic acid 367 with glycine.
Molecular consequence: missense variant. On other transcripts: 3 prime UTR variant (1).
Genome position (GRCh38, 1-based): chr11:6,610,169, A>G. VCF-style: chr11-6610169-A-G. GRCh37 (hg19) VCF-style: chr11-6631400-A-G.
Other names: c.1100A>G, p.Asp367Gly (NM_001014794.3, NM_001014795.3); c.917A>G, p.Asp306Gly (NM_001278441.2); c.698A>G, p.Asp233Gly (NM_001278442.2); c.*753T>C (NM_006284.4); short protein forms D367G, D306G, D233G.
Identifiers: ClinVar variation 3860409 (VCV003860409.1).
Genomic context (GRCh38, chr11:6,610,169, plus strand): 5'-AGGCAAGGGGGCCAGAACAGACAAGCCCTATCTCTCCAGCTCTGCAGAAGAAGCCTGAAG[A>G]CACAAACAGACGCTCAGCAGACATGTGGAGTTTTGCAGTGCTTCTGTGGGAACTGGTGAC-3'
Protein context (NP_004508.1, residues 357-377): APEALQKKPE[Asp367Gly]TNRRSADMWS

ClinVar aggregate classification (germline): Uncertain significance (1 of 4 stars; one submission).

Submission:

Ambry Genetics
Classification: Uncertain significance. Last evaluated: 2025-02-22. Review status: criteria provided, single submitter. Criteria: Ambry Variant Classification Scheme 2023. Collection method: clinical testing. Allele origin: germline.
Comment: The p.D367G variant (also known as c.1100A>G), located in coding exon 11 of the ILK gene, results from an A to G substitution at nucleotide position 1100. The aspartic acid at codon 367 is replaced by glycine, an amino acid with similar properties. This amino acid position is conserved. In addition, the in silico prediction for this alteration is inconclusive. Based on the available evidence, the clinical significance of this variant remains unclear.